The following is an entry in ClinVar:

NM_014956.5(CEP164):c.4209G>C (p.Glu1403Asp)

Gene: CEP164 (centrosomal protein 164; plus strand). Cytogenetic location: 11q23.3.
Variant type: single nucleotide variant.
Coding change: c.4209G>C on transcript NM_014956.5 (MANE Select); coding-DNA position 4209, G replaced by C.
Protein change: p.Glu1403Asp; replaces glutamic acid 1403 with aspartic acid.
Molecular consequence: missense variant.
Genome position (GRCh38, 1-based): chr11:117,411,840, G>C. VCF-style: chr11-117411840-G-C. GRCh37 (hg19) VCF-style: chr11-117282556-G-C.
Other names: c.4194G>C, p.Glu1398Asp (NM_001271933.2); c.4209G>C (NM_014956.4); short protein forms E1403D, E1398D.
Identifiers: ClinVar variation 2061319 (VCV002061319.4), dbSNP rs924786133, ClinGen allele CA229376602.

ClinVar aggregate classification (germline): Uncertain significance. Review status: criteria provided, multiple submitters, no conflicts (2 of 4 stars). 2 submissions from 2 submitters: Uncertain significance (2). Last evaluated 2026-09-16.

Conditions:
CEP164-related disorder. Also called: CEP164-related condition.
Nephronophthisis 15 (NPHP15). Identifiers: Orphanet 3156, MedGen C3541853, MONDO:0013917, OMIM 614845.

Allele frequency attached by ClinVar (database versions not stated): gnomAD exomes below 0.00001; TOPMed 0.00003; gnomAD 0.00004.
gnomAD v4.1: 11 of 1,614,048 alleles (0.00068%); highest among the groups gnomAD compares: African/African-American, 0.015%; no homozygotes.

Submissions (2):

PreventionGenetics, part of Exact Sciences
Classification: Uncertain significance for CEP164-related condition. Last evaluated: 2026-09-16. Review status: criteria provided, single submitter. Criteria: ACMG Guidelines, 2015. Collection method: clinical testing. Allele origin: germline.
Comment: The CEP164 c.4209G>C variant is predicted to result in the amino acid substitution p.Glu1403Asp. To our knowledge, this variant has not been reported in the literature or in a large population database (gnomAD), indicating this variant is rare. At this time, the clinical significance of this variant is uncertain due to the absence of conclusive functional and genetic evidence.

Labcorp Genetics (formerly Invitae), Labcorp
Classification: Uncertain significance for Nephronophthisis 15. Last evaluated: 2024-05-29. Review status: criteria provided, single submitter. Criteria: Invitae Variant Classification Sherloc (09022015). Collection method: clinical testing. Allele origin: germline.
Comment: This sequence change replaces glutamic acid, which is acidic and polar, with aspartic acid, which is acidic and polar, at codon 1403 of the CEP164 protein (p.Glu1403Asp). This variant is not present in population databases (gnomAD no frequency). This variant has not been reported in the literature in individuals affected with CEP164-related conditions. ClinVar contains an entry for this variant (Variation ID: 2061319). Advanced modeling of protein sequence and biophysical properties (such as structural, functional, and spatial information, amino acid conservation, physicochemical variation, residue mobility, and thermodynamic stability) performed at Invitae indicates that this missense variant is not expected to disrupt CEP164 protein function with a negative predictive value of 80%. In summary, the available evidence is currently insufficient to determine the role of this variant in disease. Therefore, it has been classified as a Variant of Uncertain Significance.